The following is an entry in ClinVar:

NM_000038.6(APC):c.7130A>G (p.Asn2377Ser)

Gene: APC (APC regulator of Wnt signaling pathway; plus strand). Cytogenetic location: 5q22.2.
Variant type: single nucleotide variant.
Coding change: c.7130A>G on transcript NM_000038.6 (MANE Select); coding-DNA position 7130, A replaced by G.
Protein change: p.Asn2377Ser; replaces asparagine 2377 with serine.
Molecular consequence: missense variant.
Genome position (GRCh38, 1-based): chr5:112,842,724, A>G. VCF-style: chr5-112842724-A-G. GRCh37 (hg19) VCF-style: chr5-112178421-A-G.
Other names: c.7130A>G, p.Asn2377Ser (NM_001127510.3, NM_001354895.2); c.7076A>G, p.Asn2359Ser (NM_001127511.3); c.7184A>G, p.Asn2395Ser (NM_001354896.2); c.7160A>G, p.Asn2387Ser (NM_001354897.2); c.7055A>G, p.Asn2352Ser (NM_001354898.2); c.7046A>G, p.Asn2349Ser (NM_001354899.2); c.7007A>G, p.Asn2336Ser (NM_001354900.2); c.6953A>G, p.Asn2318Ser (NM_001354901.2); and 5 more; short protein forms N2359S, N2377S, N2251S, N2286S, N2217S, N2276S, N2352S, N2395S.
Identifiers: ClinVar variation 187494 (VCV000187494.15), dbSNP rs786203777, ClinGen allele CA012867.

ClinVar aggregate classification (germline): Uncertain significance. Review status: criteria provided, multiple submitters, no conflicts (2 of 4 stars). 3 submissions from 3 submitters: Uncertain significance (3). Last evaluated 2024-10-31.

Conditions:
Hereditary cancer-predisposing syndrome. Also called: Neoplastic Syndromes, Hereditary; Tumor predisposition; Hereditary Cancer Syndrome; Hereditary neoplastic syndrome. Identifiers: Orphanet 140162, MedGen C0027672, MeSH D009386, MONDO:0015356.
Familial adenomatous polyposis 1 (FAP1). Also called: FAMILIAL ADENOMATOUS POLYPOSIS 1, ATTENUATED; POLYPOSIS, ADENOMATOUS INTESTINAL. Identifiers: MedGen C2713442, MONDO:0021056, OMIM 175100. Disease mechanism: loss of function.

Submissions (3):

Ambry Genetics
Classification: Uncertain significance for Hereditary cancer-predisposing syndrome. Last evaluated: 2024-10-31. Review status: criteria provided, single submitter. Criteria: Ambry Variant Classification Scheme 2023. Collection method: clinical testing. Allele origin: germline.
Comment: The p.N2377S variant (also known as c.7130A>G), located in coding exon 15 of the APC gene, results from an A to G substitution at nucleotide position 7130. The asparagine at codon 2377 is replaced by serine, an amino acid with highly similar properties. This amino acid position is well conserved in available vertebrate species. In addition, in silico predictors for this gene do not accurately predict pathogenicity. Missense alterations in APC are not a common cause of disease (Spier I et al. Genet Med. 2024 Feb;26(2):100992). Based on the available evidence, the clinical significance of this variant remains unclear.

Baylor Genetics
Classification: Uncertain significance for Familial adenomatous polyposis 1. Last evaluated: 2023-11-15. Review status: criteria provided, single submitter. Criteria: ACMG Guidelines, 2015. Collection method: clinical testing. Allele origin: unknown.

Labcorp Genetics (formerly Invitae), Labcorp
Classification: Uncertain significance for Familial adenomatous polyposis 1. Last evaluated: 2021-02-18. Review status: criteria provided, single submitter. Criteria: Invitae Variant Classification Sherloc (09022015). Collection method: clinical testing. Allele origin: germline.
Comment: This sequence change replaces asparagine with serine at codon 2377 of the APC protein (p.Asn2377Ser). The asparagine residue is highly conserved and there is a small physicochemical difference between asparagine and serine. This variant is not present in population databases (ExAC no frequency). This variant has not been reported in the literature in individuals with APC-related conditions. ClinVar contains an entry for this variant (Variation ID: 187494). Algorithms developed to predict the effect of missense changes on protein structure and function are either unavailable or do not agree on the potential impact of this missense change (SIFT: "Deleterious"; PolyPhen-2: "Benign"; Align-GVGD: "Class C0"). In summary, the available evidence is currently insufficient to determine the role of this variant in disease. Therefore, it has been classified as a Variant of Uncertain Significance.